The following is an entry in ClinVar:

ClinVar aggregate classification (germline): Uncertain significance. Review status: criteria provided, multiple submitters, no conflicts (2 of 4 stars). 4 submissions from 4 submitters: Uncertain significance (4). Last evaluated 2025-05-16.

Conditions:
Inborn genetic diseases. Identifiers: MedGen C0950123, MeSH D030342.
Fanconi anemia (FA). Also called: Fanconi's anemia. Identifiers: Orphanet 84, MedGen C0015625, MeSH D005199, MONDO:0019391.
Fanconi anemia complementation group F. Also called: FANCF-Related Fanconi Anemia. Identifiers: Orphanet 84, MedGen C3469526, MONDO:0011325, OMIM 603467.

Allele frequency attached by ClinVar (database versions not stated): ExAC 0.00002; gnomAD exomes 0.00002; TOPMed 0.00010; gnomAD 0.00015 and 0.00017.

Submissions (4):

Ambry Genetics
Classification: Uncertain significance for Inborn genetic diseases. Last evaluated: 2025-05-16. Review status: criteria provided, single submitter. Criteria: Ambry Variant Classification Scheme 2023. Collection method: clinical testing. Allele origin: germline.

Labcorp Genetics (formerly Invitae), Labcorp
Classification: Uncertain significance for Fanconi anemia. Last evaluated: 2023-12-07. Review status: criteria provided, single submitter. Criteria: Invitae Variant Classification Sherloc (09022015). Collection method: clinical testing. Allele origin: germline.
Comment: This sequence change replaces tyrosine, which is neutral and polar, with phenylalanine, which is neutral and non-polar, at codon 151 of the FANCF protein (p.Tyr151Phe). This variant is present in population databases (no rsID available, gnomAD 0.03%). This variant has not been reported in the literature in individuals affected with FANCF-related conditions. ClinVar contains an entry for this variant (Variation ID: 998327). An algorithm developed to predict the effect of missense changes on protein structure and function (PolyPhen-2) suggests that this variant¬†is likely to be tolerated. In summary, the available evidence is currently insufficient to determine the role of this variant in disease. Therefore, it has been classified as a Variant of Uncertain Significance.

Fulgent Genetics
Classification: Uncertain significance for Fanconi anemia complementation group F. Last evaluated: 2022-05-04. Review status: criteria provided, single submitter. Criteria: ACMG Guidelines, 2015. Collection method: clinical testing. Allele origin: unknown.

Baylor Genetics
Classification: Uncertain significance for Fanconi anemia complementation group F. Last evaluated: 2019-07-17. Review status: criteria provided, single submitter. Criteria: ACMG Guidelines, 2015. Collection method: clinical testing. Allele origin: unknown. Affected: yes. Study: CSER-TexasKidsCanSeq.
Comment: This variant was determined to be of uncertain significance according to ACMG Guidelines, 2015 [PMID:25741868].

NM_022725.4(FANCF):c.452A>T (p.Tyr151Phe)

Gene: FANCF (FA complementation group F; minus strand). Cytogenetic location: 11p14.3.
Variant type: single nucleotide variant.
Coding change: c.452A>T on transcript NM_022725.4 (MANE Select); coding-DNA position 452, A replaced by T.
Protein change: p.Tyr151Phe; replaces tyrosine 151 with phenylalanine.
Molecular consequence: missense variant.
Genome position (GRCh38, 1-based): chr11:22,625,359, T>A on the plus strand (A>T on the coding strand, the complement: FANCF is on the minus strand). VCF-style: chr11-22625359-T-A. GRCh37 (hg19) VCF-style: chr11-22646905-T-A.
Other names: short protein forms Y151F.
Identifiers: ClinVar variation 998327 (VCV000998327.11), dbSNP rs952309844, ClinGen allele CA5924328.